The following is an entry in ClinVar:

NM_015443.4(KANSL1):c.3004C>T (p.Leu1002Phe)

Gene: KANSL1 (KAT8 regulatory NSL complex subunit 1). Cytogenetic location: 17q21.31.
Variant type: single nucleotide variant.
Coding change: c.3004C>T on transcript NM_015443.4 (MANE Select); coding-DNA position 3004, C replaced by T.
Protein change: p.Leu1002Phe; replaces leucine 1002 with phenylalanine.
Molecular consequence: missense variant.
Genome position (GRCh38, 1-based): chr17:46,032,133, G>A on the plus strand (C>T on the coding strand, the complement: KANSL1 is on the minus strand). VCF-style: chr17-46032133-G-A. GRCh37 (hg19) VCF-style: chr17-44109499-G-A.
Other names: c.2899C>T, p.Leu967Phe (NM_001405861.1); c.2872C>T, p.Leu958Phe (NM_001405872.1, NM_001405873.1, NM_001405874.1); c.2815C>T, p.Leu939Phe (NM_001405875.1, NM_001405876.1, NM_001405877.1 and 1 more transcripts); c.2812C>T, p.Leu938Phe (NM_001405879.1, NM_001405880.1); c.3001C>T, p.Leu1001Phe (NM_001193465.2, NM_001405856.1, NM_001405857.1 and 1 more transcripts); c.3004C>T, p.Leu1002Phe (NM_001193466.2, NM_001379198.1, NM_001405854.1 and 1 more transcripts); c.2902C>T, p.Leu968Phe (NM_001405859.1, NM_001405860.1); c.2767C>T, p.Leu923Phe (NM_001405881.1); and 4 more; short protein forms L580F, L938F, L939F, L1001F, L1002F, L923F, L958F, L968F.
Identifiers: ClinVar variation 2910871 (VCV002910871.3), dbSNP rs2077027513, ClinGen allele CA399986587.
Genomic context (GRCh38, chr17:46,032,133, plus strand): 5'-TGGAACAACGGGTATCCTCACTGGCTAAGTGTCGCGGAGTGTCCCGAGCCACAGGGGTGA[G>A]GGGTGCTGAGTGCAGTTCCGGGCTAATGGGGCTCCTAGGGGACTGACCATGGGAGTATTC-3'
Protein context (NP_056258.1, residues 992-1012): PISPELHSAP[Leu1002Phe]TPVARDTPRH

ClinVar aggregate classification (germline): Uncertain significance (1 of 4 stars; one submission).

Conditions:
Koolen-de Vries syndrome (KDVS). Identifiers: Orphanet 96169, MedGen C1864871, MONDO:0012496, OMIM 610443.

Allele frequency attached by ClinVar (database versions not stated): gnomAD exomes below 0.00001.
gnomAD v4.1: 1 of 1,614,074 alleles (0.000062%); highest among the groups gnomAD compares: Non-Finnish European, 0.000085%; no homozygotes.

Submission:

Labcorp Genetics (formerly Invitae), Labcorp
Classification: Uncertain significance for Koolen-de Vries syndrome. Last evaluated: 2024-07-01. Review status: criteria provided, single submitter. Criteria: Invitae Variant Classification Sherloc (09022015). Collection method: clinical testing. Allele origin: germline.
Comment: This sequence change replaces leucine, which is neutral and non-polar, with phenylalanine, which is neutral and non-polar, at codon 1002 of the KANSL1 protein (p.Leu1002Phe). This variant is not present in population databases (gnomAD no frequency). This variant has not been reported in the literature in individuals affected with KANSL1-related conditions. Advanced modeling of protein sequence and biophysical properties (such as structural, functional, and spatial information, amino acid conservation, physicochemical variation, residue mobility, and thermodynamic stability) performed at Invitae indicates that this missense variant is not expected to disrupt KANSL1 protein function with a negative predictive value of 80%. In summary, the available evidence is currently insufficient to determine the role of this variant in disease. Therefore, it has been classified as a Variant of Uncertain Significance.